The following is an entry in ClinVar:

NM_000492.4(CFTR):c.3500T>A (p.Ile1167Asn)

Genes: CFTR (CF transmembrane conductance regulator; plus strand), CFTR-AS2 (CFTR antisense RNA 2; minus strand). Cytogenetic location: 7q31.2.
Variant type: single nucleotide variant.
Coding change: c.3500T>A on transcript NM_000492.4 (MANE Select); coding-DNA position 3500, T replaced by A.
Protein change: p.Ile1167Asn; replaces isoleucine 1167 with asparagine.
Molecular consequence: missense variant.
Genome position (GRCh38, 1-based): chr7:117,627,553, T>A. VCF-style: chr7-117627553-T-A. GRCh37 (hg19) VCF-style: chr7-117267607-T-A.
Other names: c.3500T>A (NM_000492.3); short protein forms I1167N.
Identifiers: ClinVar variation 1054952 (VCV001054952.8), dbSNP rs2116129005, ClinGen allele CA368996103.
Genomic context (GRCh38, chr7:117,627,553, plus strand): 5'-AAACAAAAATGTTGTTATTTTTATTTCAGATGCGATCTGTGAGCCGAGTCTTTAAGTTCA[T>A]TGACATGCCAACAGAAGGTAAACCTACCAAGTCAACCAAACCATACAAGAATGGCCAACT-3'
Protein context (NP_000483.3, residues 1157-1177): MRSVSRVFKF[Ile1167Asn]DMPTEGKPTK

ClinVar aggregate classification (germline): Uncertain significance. Review status: criteria provided, multiple submitters, no conflicts (2 of 4 stars). 3 submissions from 3 submitters: Uncertain significance (2). 1 of the submissions does not count toward it. Last evaluated 2024-11-21.

Conditions:
CFTR-related disorder (CFTR-RD). Also called: CFTR-related condition; CFTR-related disorders. Identifiers: MedGen C5924204, MONDO:7770004.
Cystic fibrosis (CF). Also called: MUCOVISCIDOSIS. Identifiers: Orphanet 586, MedGen C0010674, MONDO:0009061, OMIM 219700. Disease mechanism: loss of function.

Submissions (3):

Ambry Genetics
Classification: Uncertain significance for Cystic fibrosis. Last evaluated: 2024-11-21. Review status: criteria provided, single submitter. Criteria: Ambry Variant Classification Scheme 2023. Collection method: clinical testing. Allele origin: germline.
Comment: The p.I1167N variant (also known as c.3500T>A), located in coding exon 22 of the CFTR gene, results from a T to A substitution at nucleotide position 3500. The isoleucine at codon 1167 is replaced by asparagine, an amino acid with dissimilar properties. This amino acid position is highly conserved in available vertebrate species. In addition, this alteration is predicted to be deleterious by in silico analysis. Based on the available evidence, the clinical significance of this variant remains unclear.

Labcorp Genetics (formerly Invitae), Labcorp
Classification: Uncertain significance for Cystic fibrosis. Last evaluated: 2021-09-01. Review status: criteria provided, single submitter. Criteria: Invitae Variant Classification Sherloc (09022015). Collection method: clinical testing. Allele origin: germline.
Comment: This sequence change replaces isoleucine with asparagine at codon 1167 of the CFTR protein (p.Ile1167Asn). The isoleucine residue is moderately conserved and there is a large physicochemical difference between isoleucine and asparagine. This variant is not present in population databases (ExAC no frequency). This variant has not been reported in the literature in individuals affected with CFTR-related conditions. Algorithms developed to predict the effect of missense changes on protein structure and function are either unavailable or do not agree on the potential impact of this missense change (SIFT: "Deleterious"; PolyPhen-2: "Benign"; Align-GVGD: "Class C0"). In summary, the available evidence is currently insufficient to determine the role of this variant in disease. Therefore, it has been classified as a Variant of Uncertain Significance.

Natera, Inc.
Classification: Uncertain significance for CFTR-related disorders. Last evaluated: 2021-03-29. Review status: no assertion criteria provided. Collection method: clinical testing. Allele origin: germline. Not counted in ClinVar's aggregate classification.